The following is an entry in ClinVar:

NM_000827.4(GRIA1):c.652A>G (p.Lys218Glu)

Gene: GRIA1 (glutamate ionotropic receptor AMPA type subunit 1; plus strand). Cytogenetic location: 5q33.2.
Variant type: single nucleotide variant.
Coding change: c.652A>G on transcript NM_000827.4 (MANE Select); coding-DNA position 652, A replaced by G.
Protein change: p.Lys218Glu; replaces lysine 218 with glutamic acid.
Molecular consequence: missense variant. On other transcripts: non-coding transcript variant (2).
Genome position (GRCh38, 1-based): chr5:153,655,825, A>G. VCF-style: chr5-153655825-A-G. GRCh37 (hg19) VCF-style: chr5-153035385-A-G.
Other names: c.652A>G, p.Lys218Glu (NM_001114183.2, NM_001364165.2); c.412A>G, p.Lys138Glu (NM_001258019.2); c.367A>G, p.Lys123Glu (NM_001258020.2); c.682A>G, p.Lys228Glu (NM_001258021.2, NM_001258022.2); c.445A>G, p.Lys149Glu (NM_001258023.1, NM_001364167.2); c.679A>G, p.Lys227Glu (NM_001364166.2); short protein forms K123E, K138E, K149E, K218E, K227E, K228E.
Identifiers: ClinVar variation 4687031 (VCV004687031.1).

ClinVar aggregate classification (germline): Uncertain significance (1 of 4 stars; one submission).

Submission:

GeneDx
Classification: Uncertain significance. Last evaluated: 2025-07-24. Review status: criteria provided, single submitter. Criteria: GeneDx Variant Classification Process June 2021. Collection method: clinical testing. Allele origin: germline. Affected: yes.
Comment: Has not been previously published as pathogenic or benign to our knowledge; Not observed at significant frequency in large population cohorts (gnomAD); In silico analysis suggests that this missense variant does not alter protein structure/function